The following is an entry in ClinVar:

NM_138395.4(MARS2):c.1311G>A (p.Gly437=)

Gene: MARS2 (methionyl-tRNA synthetase 2, mitochondrial; plus strand). Cytogenetic location: 2q33.1.
Variant type: single nucleotide variant.
Coding change: c.1311G>A on transcript NM_138395.4 (MANE Select); coding-DNA position 1311, G replaced by A.
Protein change: p.Gly437=; no amino-acid change (glycine 437 retained).
Molecular consequence: synonymous variant.
Genome position (GRCh38, 1-based): chr2:197,706,716, G>A. VCF-style: chr2-197706716-G-A. GRCh37 (hg19) VCF-style: chr2-198571440-G-A.
Identifiers: ClinVar variation 2651796 (VCV002651796.24), dbSNP rs748928506, ClinGen allele CA2044735.
Genomic context (GRCh38, chr2:197,706,716, plus strand): 5'-TTCTGAGACCTACCCAGCCTTCTGCACTACCTGCTTCCCTAGTGAGCCAGGGTTGGTGGG[G>A]CCGTCAGTTCGTGCTCAGGCAGAGGATTATGCTCTGGTGAGCGCAGTGGCCACTTTGCCA-3'
Protein context (NP_612404.1, residues 427-447): TCFPSEPGLV[Gly437=]PSVRAQAEDY

ClinVar aggregate classification (germline): Likely benign (1 of 4 stars; one submission).

Allele frequency attached by ClinVar (database versions not stated): ExAC 0.00001.

Submission:

CeGaT Center for Human Genetics Tuebingen
Classification: Likely benign. Last evaluated: 2023-02-01. Review status: criteria provided, single submitter. Criteria: CeGaT Center For Human Genetics Tuebingen Variant Classification Criteria Version 2. Collection method: clinical testing. Allele origin: germline. Affected: yes. Observed: 1 variant allele.
Comment: MARS2: BP4, BP7